The following is an entry in ClinVar:

ClinVar aggregate classification (germline): Uncertain significance (1 of 4 stars; one submission).

Submission:

GeneDx
Classification: Uncertain significance. Last evaluated: 2024-06-12. Review status: criteria provided, single submitter. Criteria: GeneDx Variant Classification Process June 2021. Collection method: clinical testing. Allele origin: germline. Affected: yes.
Comment: Not observed at significant frequency in large population cohorts (gnomAD); Has not been previously published as pathogenic or benign to our knowledge; Frameshift variant predicted to result in protein truncation or nonsense mediated decay in a gene for which loss-of-function is not a known mechanism of disease

NM_002109.6(HARS1):c.732_733del (p.Ser245fs)

Gene: HARS1 (histidyl-tRNA synthetase 1; minus strand). Cytogenetic location: 5q31.3.
Variant type: Microsatellite.
Coding change: c.732_733del on transcript NM_002109.6 (MANE Select); coding-DNA positions 732 to 733, 2 bases deleted (GT; older notation c.732_733delGT).
Protein change: p.Ser245fs; shifts the reading frame from serine 245.
Molecular consequence: frameshift variant.
Genome position (GRCh38, 1-based): chr5:140,677,417-140,677,418, AC deleted on the plus strand (GT on the coding strand, the reverse complement: HARS1 is on the minus strand); deleting any 2 consecutive bases within chr5:140,677,417-140,677,420 gives the same sequence; the c. name uses the placement nearest the transcript's 3' end. VCF-style (leftmost placement, unchanged base first): chr5-140677416-GAC-G. GRCh37 (hg19) VCF-style: chr5-140057001-GAC-G.
Other names: c.612_613del, p.Ser205fs (NM_001258040.3); c.672_673del, p.Ser225fs (NM_001258041.3); c.552_553del, p.Ser185fs (NM_001258042.3); c.510_511del, p.Ser171fs (NM_001289092.2); c.390_391del, p.Ser131fs (NM_001289093.2); c.645_646del, p.Ser216fs (NM_001289094.2); short protein forms S131fs, S171fs, S185fs, S205fs, S216fs, S225fs, S245fs.
Identifiers: ClinVar variation 3390486 (VCV003390486.1).